The following is an entry in ClinVar:

ClinVar aggregate classification (germline): Uncertain significance. Review status: criteria provided, multiple submitters, no conflicts (2 of 4 stars). 2 submissions from 2 submitters: Uncertain significance (2). Last evaluated 2024-09-04.

Conditions:
Familial melanoma. Also called: Hereditary melanoma; Hereditary cutaneous melanoma. Identifiers: Orphanet 618, MedGen C1512419, MONDO:0018961.
Hereditary cancer-predisposing syndrome. Also called: Hereditary neoplastic syndrome; Tumor predisposition; Neoplastic Syndromes, Hereditary; Hereditary Cancer Syndrome. Identifiers: Orphanet 140162, MedGen C0027672, MeSH D009386, MONDO:0015356.

Submissions (2):

Labcorp Genetics (formerly Invitae), Labcorp
Classification: Uncertain significance for Familial melanoma. Last evaluated: 2024-09-04. Review status: criteria provided, single submitter. Criteria: Invitae Variant Classification Sherloc (09022015). Collection method: clinical testing. Allele origin: germline.
Comment: This sequence change replaces alanine, which is neutral and non-polar, with serine, which is neutral and polar, at codon 134 of the CDKN2A (p16INK4a) protein (p.Ala134Ser). This variant is not present in population databases (gnomAD no frequency). This variant has not been reported in the literature in individuals affected with CDKN2A (p16INK4a)-related conditions. ClinVar contains an entry for this variant (Variation ID: 532288). An algorithm developed to predict the effect of missense changes on protein structure and function outputs the following: PolyPhen-2: "Benign". The serine amino acid residue is found in multiple mammalian species, which suggests that this missense change does not adversely affect protein function. In summary, the available evidence is currently insufficient to determine the role of this variant in disease. Therefore, it has been classified as a Variant of Uncertain Significance.

Ambry Genetics
Classification: Uncertain significance for Hereditary cancer-predisposing syndrome. Last evaluated: 2024-08-14. Review status: criteria provided, single submitter. Criteria: Ambry Variant Classification Scheme 2023. Collection method: clinical testing. Allele origin: germline.
Comment: The p.A134S variant (also known as c.400G>T), located in coding exon 2 of the CDKN2A gene, results from a G to T substitution at nucleotide position 400. The alanine at codon 134 is replaced by serine, an amino acid with similar properties. This amino acid position is poorly conserved in available vertebrate species. In addition, this alteration is predicted to be tolerated by in silico analysis. Based on the available evidence, the clinical significance of this variant remains unclear.

NM_000077.5(CDKN2A):c.400G>T (p.Ala134Ser)

Gene: CDKN2A (cyclin dependent kinase inhibitor 2A; minus strand). Cytogenetic location: 9p21.3.
Variant type: single nucleotide variant.
Coding change: c.400G>T on transcript NM_000077.5; coding-DNA position 400, G replaced by T.
Protein change: p.Ala134Ser; replaces alanine 134 with serine.
Molecular consequence: missense variant (on NM_000077.6). On other transcripts: 3 prime UTR variant (2).
Genome position (GRCh38, 1-based): chr9:21,970,959, C>A on the plus strand (G>T on the coding strand, the complement: CDKN2A is on the minus strand). VCF-style: chr9-21970959-C-A. GRCh37 (hg19) VCF-style: chr9-21970958-C-A.
Other names: c.400G>T, p.Ala134Ser (NM_000077.6, NM_001195132.2); c.247G>T, p.Ala83Ser (NM_001363763.2); c.*44G>T (NM_058195.4); c.*323G>T (NM_058197.5); short protein forms A134S, A83S.
Identifiers: ClinVar variation 532288 (VCV000532288.10), dbSNP rs372599739, ClinGen allele CA373085911.
Genomic context (GRCh38, chr9:21,970,959, plus strand): 5'-CACCTGAGGGACCTTCCGCGGCATCTATGCGGGCATGGTTACTGCCTCTGGTGCCCCCCG[C>A]AGCCGCGCGCAGGTACCGTGCGACATCGCGATGGCCCAGCTCCTCAGCCAGGTCCACGGG-3'
Protein context (NP_000068.1, residues 124-144): RDVARYLRAA[Ala134Ser]GGTRGSNHAR